The following is an entry in ClinVar:

NM_000038.6(APC):c.7303C>T (p.Pro2435Ser)

Gene: APC (APC regulator of Wnt signaling pathway; plus strand). Cytogenetic location: 5q22.2.
Variant type: single nucleotide variant.
Coding change: c.7303C>T on transcript NM_000038.6 (MANE Select); coding-DNA position 7303, C replaced by T.
Protein change: p.Pro2435Ser; replaces proline 2435 with serine.
Molecular consequence: missense variant.
Genome position (GRCh38, 1-based): chr5:112,842,897, C>T. VCF-style: chr5-112842897-C-T. GRCh37 (hg19) VCF-style: chr5-112178594-C-T.
Other names: c.7303C>T, p.Pro2435Ser (NM_001127510.3, NM_001354895.2); c.7249C>T, p.Pro2417Ser (NM_001127511.3); c.7357C>T, p.Pro2453Ser (NM_001354896.2); c.7333C>T, p.Pro2445Ser (NM_001354897.2); c.7228C>T, p.Pro2410Ser (NM_001354898.2); c.7219C>T, p.Pro2407Ser (NM_001354899.2); c.7180C>T, p.Pro2394Ser (NM_001354900.2); c.7126C>T, p.Pro2376Ser (NM_001354901.2); and 5 more; short protein forms P2417S, P2435S, P2453S, P2152S, P2309S, P2376S, P2394S, P2410S.
Identifiers: ClinVar variation 428151 (VCV000428151.16), dbSNP rs1114167590, ClinGen allele CA16037237.

ClinVar aggregate classification (germline): Uncertain significance. Review status: criteria provided, multiple submitters, no conflicts (2 of 4 stars). 5 submissions from 5 submitters: Uncertain significance (5). Last evaluated 2023-10-17.

Conditions:
Hereditary cancer-predisposing syndrome. Also called: Hereditary Cancer Syndrome; Neoplastic Syndromes, Hereditary; Hereditary neoplastic syndrome; Tumor predisposition. Identifiers: Orphanet 140162, MedGen C0027672, MeSH D009386, MONDO:0015356.
Familial adenomatous polyposis 1 (FAP1). Also called: FAMILIAL ADENOMATOUS POLYPOSIS 1, ATTENUATED; POLYPOSIS, ADENOMATOUS INTESTINAL. Identifiers: MedGen C2713442, MONDO:0021056, OMIM 175100. Disease mechanism: loss of function.
Classic or attenuated familial adenomatous polyposis. Identifiers: MedGen CN372698, MONDO:0021057.

Allele frequency attached by ClinVar (database versions not stated): gnomAD exomes below 0.00001; TOPMed below 0.00001; gnomAD 0.00001.
gnomAD v4.1: 2 of 1,613,954 alleles (0.00012%); highest among the groups gnomAD compares: Non-Finnish European, 0.00017%; no homozygotes.

Submissions (5):

Baylor Genetics
Classification: Uncertain significance for Familial adenomatous polyposis 1. Last evaluated: 2023-10-17. Review status: criteria provided, single submitter. Criteria: ACMG Guidelines, 2015. Collection method: clinical testing. Allele origin: unknown.

Ambry Genetics
Classification: Uncertain significance for Hereditary cancer-predisposing syndrome. Last evaluated: 2023-08-10. Review status: criteria provided, single submitter. Criteria: Ambry Variant Classification Scheme 2023. Collection method: clinical testing. Allele origin: germline.
Comment: The p.P2435S variant (also known as c.7303C>T), located in coding exon 15 of the APC gene, results from a C to T substitution at nucleotide position 7303. The proline at codon 2435 is replaced by serine, an amino acid with similar properties. This amino acid position is highly conserved in available vertebrate species. In addition, in silico predictors for this gene do not accurately predict pathogenicity. Since supporting evidence is limited at this time, the clinical significance of this alteration remains unclear.

All of Us Research Program, National Institutes of Health
Classification: Uncertain significance for Classic or attenuated familial adenomatous polyposis. Last evaluated: 2023-06-28. Review status: criteria provided, single submitter. Criteria: ACMG Guidelines, 2015. Collection method: clinical testing. Allele origin: germline. Inheritance: Autosomal dominant inheritance. Observed: 1 variant allele, 1 heterozygote.
Comment: This study involves interpretation of variants in research participants for the purpose of population health screening. Participant phenotype was not available at the time of variant classification. Additional details can be found in publication PMID: 35346344, PMCID: PMC8962531

Color Diagnostics, LLC DBA Color Health
Classification: Uncertain significance for Hereditary cancer-predisposing syndrome. Last evaluated: 2023-03-09. Review status: criteria provided, single submitter. Criteria: ACMG Guidelines, 2015. Collection method: clinical testing. Allele origin: germline.
Comment: This missense variant replaces proline with serine at codon 2435 of the APC protein. Computational prediction suggests that this variant may not impact protein structure and function (internally defined REVEL score threshold <= 0.5, PMID: 27666373). To our knowledge, functional studies have not been reported for this variant. This variant has not been reported in individuals affected with APC-related disorders in the literature. This variant has not been identified in the general population by the Genome Aggregation Database (gnomAD). The available evidence is insufficient to determine the role of this variant in disease conclusively. Therefore, this variant is classified as a Variant of Uncertain Significance.

Labcorp Genetics (formerly Invitae), Labcorp
Classification: Uncertain significance for Familial adenomatous polyposis 1. Last evaluated: 2022-04-29. Review status: criteria provided, single submitter. Criteria: Invitae Variant Classification Sherloc (09022015). Collection method: clinical testing. Allele origin: germline.
Comment: This sequence change replaces proline, which is neutral and non-polar, with serine, which is neutral and polar, at codon 2435 of the APC protein (p.Pro2435Ser). This variant is not present in population databases (gnomAD no frequency). This variant has not been reported in the literature in individuals affected with APC-related conditions. ClinVar contains an entry for this variant (Variation ID: 428151). Algorithms developed to predict the effect of missense changes on protein structure and function are either unavailable or do not agree on the potential impact of this missense change (SIFT: "Tolerated"; PolyPhen-2: "Probably Damaging"; Align-GVGD: "Class C0"). In summary, the available evidence is currently insufficient to determine the role of this variant in disease. Therefore, it has been classified as a Variant of Uncertain Significance.